The following is an entry in ClinVar:

NM_001399.5(EDA):c.28G>T (p.Glu10Ter)

Gene: EDA (ectodysplasin A; plus strand). Cytogenetic location: Xq13.1.
Variant type: single nucleotide variant.
Coding change: c.28G>T on transcript NM_001399.5 (MANE Select); coding-DNA position 28, G replaced by T.
Protein change: p.Glu10Ter; replaces glutamic acid 10 with a stop codon.
Molecular consequence: nonsense.
Genome position (GRCh38, 1-based): chrX:69,616,336, G>T. VCF-style: chrX-69616336-G-T. GRCh37 (hg19) VCF-style: chrX-68836180-G-T.
Other names: c.28G>T, p.Glu10Ter (NM_001005609.2, NM_001005610.4, NM_001005612.3 and 2 more transcripts); short protein forms E10*.
Identifiers: ClinVar variation 2706630 (VCV002706630.3), dbSNP rs754851778, ClinGen allele CA413446933.

ClinVar aggregate classification (germline): Pathogenic (1 of 4 stars; one submission).

Conditions:
Hypohidrotic X-linked ectodermal dysplasia (XHED). Also called: Christ Siemens Touraine syndrome; Anhidrotic ectodermal dysplasia X-linked; ECTODERMAL DYSPLASIA, HYPOHIDROTIC, 1; CST SYNDROME; Ectodermal Dysplasia 1, Anhidrotic; ECTODERMAL DYSPLASIA 1. Identifiers: Orphanet 181, Orphanet 238468, MedGen C0162359, MONDO:0010585, OMIM 305100.

Submission:

Labcorp Genetics (formerly Invitae), Labcorp
Classification: Pathogenic for Hypohidrotic X-linked ectodermal dysplasia. Last evaluated: 2023-12-30. Review status: criteria provided, single submitter. Criteria: Invitae Variant Classification Sherloc (09022015). Collection method: clinical testing. Allele origin: germline.
Comment: This sequence change creates a premature translational stop signal (p.Glu10*) in the EDA gene. It is expected to result in an absent or disrupted protein product. Loss-of-function variants in EDA are known to be pathogenic (PMID: 9683615). This variant is not present in population databases (gnomAD no frequency). This variant has not been reported in the literature in individuals affected with EDA-related conditions. Algorithms developed to predict the effect of sequence changes on RNA splicing suggest that this variant may create or strengthen a splice site. For these reasons, this variant has been classified as Pathogenic.

Literature cited by the submitters: PubMed 9683615.